The following is an entry in ClinVar:

NM_000057.4(BLM):c.3464T>C (p.Leu1155Ser)

Gene: BLM (BLM RecQ like helicase; plus strand). Cytogenetic location: 15q26.1.
Variant type: single nucleotide variant.
Coding change: c.3464T>C on transcript NM_000057.4 (MANE Select); coding-DNA position 3464, T replaced by C.
Protein change: p.Leu1155Ser; replaces leucine 1155 with serine.
Molecular consequence: missense variant. On other transcripts: intron variant (1).
Genome position (GRCh38, 1-based): chr15:90,803,626, T>C. VCF-style: chr15-90803626-T-C. GRCh37 (hg19) VCF-style: chr15-91346856-T-C.
Other names: c.3464T>C, p.Leu1155Ser (NM_001287246.2); c.2339T>C, p.Leu780Ser (NM_001287248.2); c.3358+5289T>C (NM_001287247.2); short protein forms L780S, L1155S.
Identifiers: ClinVar variation 4212111 (VCV004212111.1).

ClinVar aggregate classification (germline): Uncertain significance (1 of 4 stars; one submission).

Conditions:
Hereditary cancer-predisposing syndrome. Also called: Neoplastic Syndromes, Hereditary; Tumor predisposition; Hereditary Cancer Syndrome; Hereditary neoplastic syndrome. Identifiers: Orphanet 140162, MedGen C0027672, MeSH D009386, MONDO:0015356.

Submission:

Ambry Genetics
Classification: Uncertain significance for Hereditary cancer-predisposing syndrome. Last evaluated: 2025-08-25. Review status: criteria provided, single submitter. Criteria: Ambry Variant Classification Scheme 2023. Collection method: clinical testing. Allele origin: germline.
Comment: The p.L1155S variant (also known as c.3464T>C), located in coding exon 17 of the BLM gene, results from a T to C substitution at nucleotide position 3464. The leucine at codon 1155 is replaced by serine, an amino acid with dissimilar properties. This amino acid position is conserved. In addition, this alteration is predicted to be deleterious by in silico analysis. Based on the available evidence, the clinical significance of this variant remains unclear.